The following is an entry in ClinVar:

NM_001130009.3(GEN1):c.1409-3C>T

Gene: GEN1 (GEN1 structure-specific endonuclease; plus strand). Cytogenetic location: 2p24.2.
Variant type: single nucleotide variant.
Coding change: c.1409-3C>T on transcript NM_001130009.3 (MANE Select); 3 bases into the intron before coding-DNA position 1409, C replaced by T.
Molecular consequence: intron variant.
Genome position (GRCh38, 1-based): chr2:17,780,618, C>T. VCF-style: chr2-17780618-C-T. GRCh37 (hg19) VCF-style: chr2-17961885-C-T.
Other names: c.1409-3C>T (NM_182625.5).
Identifiers: ClinVar variation 941630 (VCV000941630.9), dbSNP rs772522684, ClinGen allele CA1540770.

ClinVar aggregate classification (germline): Uncertain significance (1 of 4 stars; one submission).

Allele frequency attached by ClinVar (database versions not stated): gnomAD exomes below 0.00001 and 0.00002; gnomAD 0.00001; ExAC 0.00002.
gnomAD v4.1: 4 of 1,513,514 alleles (0.00026%); highest among the groups gnomAD compares: African/African-American, 0.0014%; no homozygotes.

Submission:

Labcorp Genetics (formerly Invitae), Labcorp
Classification: Uncertain significance. Last evaluated: 2025-09-16. Review status: criteria provided, single submitter. Criteria: Invitae Variant Classification Sherloc (09022015). Collection method: clinical testing. Allele origin: germline.
Comment: This sequence change falls in intron 13 of the GEN1 gene. It does not directly change the encoded amino acid sequence of the GEN1 protein. It affects a nucleotide within the consensus splice site. This variant is present in population databases (rs772522684, gnomAD 0.002%). This variant has not been reported in the literature in individuals affected with GEN1-related conditions. ClinVar contains an entry for this variant (Variation ID: 941630). Variants that disrupt the consensus splice site are a relatively common cause of aberrant splicing (PMID: 17576681, 9536098). Algorithms developed to predict the effect of sequence changes on RNA splicing suggest that this variant is not likely to affect RNA splicing. In summary, the available evidence is currently insufficient to determine the role of this variant in disease. Therefore, it has been classified as a Variant of Uncertain Significance.

Literature cited by the submitters: PubMed 17576681; PubMed 9536098.